The following is an entry in ClinVar:

ClinVar aggregate classification (germline): Uncertain significance (1 of 4 stars; one submission).

Submission:

Labcorp Genetics (formerly Invitae), Labcorp
Classification: Uncertain significance. Last evaluated: 2022-12-02. Review status: criteria provided, single submitter. Criteria: Invitae Variant Classification Sherloc (09022015). Collection method: clinical testing. Allele origin: germline.
Comment: In summary, the available evidence is currently insufficient to determine the role of this variant in disease. Therefore, it has been classified as a Variant of Uncertain Significance. Advanced modeling of protein sequence and biophysical properties (such as structural, functional, and spatial information, amino acid conservation, physicochemical variation, residue mobility, and thermodynamic stability) performed at Invitae indicates that this missense variant is not expected to disrupt COL7A1 protein function. This variant has not been reported in the literature in individuals affected with COL7A1-related conditions. This variant is not present in population databases (gnomAD no frequency). This sequence change replaces alanine, which is neutral and non-polar, with valine, which is neutral and non-polar, at codon 2197 of the COL7A1 protein (p.Ala2197Val).

NM_000094.4(COL7A1):c.6590C>T (p.Ala2197Val)

Gene: COL7A1 (collagen type VII alpha 1 chain; minus strand). Cytogenetic location: 3p21.31.
Variant type: single nucleotide variant.
Coding change: c.6590C>T on transcript NM_000094.4 (MANE Select); coding-DNA position 6590, C replaced by T.
Protein change: p.Ala2197Val; replaces alanine 2197 with valine.
Molecular consequence: missense variant.
Genome position (GRCh38, 1-based): chr3:48,573,541, G>A on the plus strand (C>T on the coding strand, the complement: COL7A1 is on the minus strand). VCF-style: chr3-48573541-G-A. GRCh37 (hg19) VCF-style: chr3-48610974-G-A.
Other names: short protein forms A2197V.
Identifiers: ClinVar variation 2810052 (VCV002810052.3), dbSNP rs2530926087, ClinGen allele CA352656532.